The following is an entry in ClinVar:

NM_001276345.2(TNNT2):c.583G>C (p.Gly195Arg)

Gene: TNNT2 (troponin T2, cardiac type; minus strand). Cytogenetic location: 1q32.1.
Variant type: single nucleotide variant.
Coding change: c.583G>C on transcript NM_001276345.2 (MANE Select); coding-DNA position 583, G replaced by C.
Protein change: p.Gly195Arg; replaces glycine 195 with arginine.
Molecular consequence: missense variant.
Genome position (GRCh38, 1-based): chr1:201,363,313, C>G on the plus strand (G>C on the coding strand, the complement: TNNT2 is on the minus strand). VCF-style: chr1-201363313-C-G. GRCh37 (hg19) VCF-style: chr1-201332441-C-G.
Other names: c.583G>C, p.Gly195Arg (NM_000364.4, NM_001406723.1); c.553G>C, p.Gly185Arg (NM_001001430.3, NM_001001431.3, NM_001276347.2 and 3 more transcripts); c.538G>C, p.Gly180Arg (NM_001001432.3, NM_001406728.1); c.463G>C, p.Gly155Arg (NM_001276346.2); c.550G>C, p.Gly184Arg (NM_001406725.1); short protein forms G155R, G180R, G184R, G195R, G185R.
Identifiers: ClinVar variation 1748193 (VCV001748193.2), dbSNP rs764777623, ClinGen allele CA344204292.

ClinVar aggregate classification (germline): Uncertain significance (1 of 4 stars; one submission).

Conditions:
Cardiovascular phenotype. Identifiers: MedGen CN230736.

Submission:

Ambry Genetics
Classification: Uncertain significance for Cardiovascular phenotype. Last evaluated: 2023-11-21. Review status: criteria provided, single submitter. Criteria: Ambry Variant Classification Scheme 2023. Collection method: clinical testing. Allele origin: germline.
Comment: The p.G185R variant (also known as c.553G>C), located in coding exon 10 of the TNNT2 gene, results from a G to C substitution at nucleotide position 553. The glycine at codon 185 is replaced by arginine, an amino acid with dissimilar properties. This amino acid position is conserved. In addition, this alteration is predicted to be deleterious by in silico analysis. Since supporting evidence is limited at this time, the clinical significance of this alteration remains unclear.